The following is an entry in ClinVar:

NM_000051.4(ATM):c.1082C>A (p.Thr361Asn)

Gene: ATM (ATM serine/threonine kinase; plus strand). Cytogenetic location: 11q22.3.
Variant type: single nucleotide variant.
Coding change: c.1082C>A on transcript NM_000051.4 (MANE Select); coding-DNA position 1082, C replaced by A.
Protein change: p.Thr361Asn; replaces threonine 361 with asparagine.
Molecular consequence: missense variant.
Genome position (GRCh38, 1-based): chr11:108,248,949, C>A. VCF-style: chr11-108248949-C-A. GRCh37 (hg19) VCF-style: chr11-108119676-C-A.
Other names: c.1082C>A, p.Thr361Asn (NM_001351834.2); short protein forms T361N.
Identifiers: ClinVar variation 584776 (VCV000584776.13), dbSNP rs1565378803, ClinGen allele CA382532347.

ClinVar aggregate classification (germline): Conflicting classifications of pathogenicity. Review status: criteria provided, conflicting classifications (1 of 4 stars). 5 submissions from 5 submitters: Uncertain significance (4); Likely benign (1). Last evaluated 2025-09-01.

Conditions:
Ataxia-telangiectasia syndrome (AT). Also called: Ataxia-telangiectasia, complementation group D; AT, COMPLEMENTATION GROUP C; Ataxia-telangiectasia, complementation group E; Cerebello-oculocutaneous telangiectasia; Immunodeficiency with ataxia telangiectasia; ATAXIA-TELANGIECTASIA, COMPLEMENTATION GROUP A. Identifiers: Orphanet 100, MedGen C0004135, MONDO:0008840, OMIM 208900.
Hereditary cancer-predisposing syndrome. Also called: Neoplastic Syndromes, Hereditary; Hereditary Cancer Syndrome; Tumor predisposition; Hereditary neoplastic syndrome. Identifiers: Orphanet 140162, MedGen C0027672, MeSH D009386, MONDO:0015356.

Submissions (5):

Labcorp Genetics (formerly Invitae), Labcorp
Classification: Uncertain significance for Ataxia-telangiectasia syndrome. Last evaluated: 2025-09-01. Review status: criteria provided, single submitter. Criteria: Invitae Variant Classification Sherloc (09022015). Collection method: clinical testing. Allele origin: germline.
Comment: This sequence change replaces threonine, which is neutral and polar, with asparagine, which is neutral and polar, at codon 361 of the ATM protein (p.Thr361Asn). This variant is not present in population databases (gnomAD no frequency). This variant has not been reported in the literature in individuals affected with ATM-related conditions. ClinVar contains an entry for this variant (Variation ID: 584776). Invitae Evidence Modeling of protein sequence and biophysical properties (such as structural, functional, and spatial information, amino acid conservation, physicochemical variation, residue mobility, and thermodynamic stability) indicates that this missense variant is not expected to disrupt ATM protein function with a negative predictive value of 95%. In summary, the available evidence is currently insufficient to determine the role of this variant in disease. Therefore, it has been classified as a Variant of Uncertain Significance.

Color Diagnostics, LLC DBA Color Health
Classification: Likely benign for Hereditary cancer-predisposing syndrome. Last evaluated: 2025-07-22. Review status: criteria provided, single submitter. Criteria: ACMG Guidelines, 2015. Collection method: clinical testing. Allele origin: germline.

Ambry Genetics
Classification: Uncertain significance for Hereditary cancer-predisposing syndrome. Last evaluated: 2025-03-14. Review status: criteria provided, single submitter. Criteria: Ambry Variant Classification Scheme 2023. Collection method: clinical testing. Allele origin: germline.
Comment: The p.T361N variant (also known as c.1082C>A), located in coding exon 8 of the ATM gene, results from a C to A substitution at nucleotide position 1082. The threonine at codon 361 is replaced by asparagine, an amino acid with similar properties. This amino acid position is highly conserved in available vertebrate species. In addition, this alteration is predicted to be tolerated by in silico analysis. Based on the available evidence, the clinical significance of this variant remains unclear.

GeneDx
Classification: Uncertain significance. Last evaluated: 2022-02-07. Review status: criteria provided, single submitter. Criteria: GeneDx Variant Classification Process June 2021. Collection method: clinical testing. Allele origin: germline. Affected: yes.
Comment: Not observed at significant frequency in large population cohorts (gnomAD); In silico analysis supports that this missense variant does not alter protein structure/function; Has not been previously published as pathogenic or benign to our knowledge

Mendelics
Classification: Uncertain significance for Ataxia-telangiectasia syndrome. Last evaluated: 2018-07-02. Review status: criteria provided, single submitter. Criteria: Mendelics Assertion Criteria 2017. Collection method: clinical testing. Allele origin: unknown.